The following is an entry in ClinVar:

ClinVar aggregate classification (germline): Uncertain significance. Review status: criteria provided, single submitter (1 of 4 stars). 2 submissions from 2 submitters: Uncertain significance (1). 1 of the submissions does not count toward it. Last evaluated 2026-04-16.

Conditions:
Deficiency of mevalonate kinase. Also called: Mevalonate kinase deficiency. Identifiers: Orphanet 309025, MedGen C0342731, MONDO:0017708.
Mevalonic aciduria (MEVA). Identifiers: Orphanet 29, MedGen C1959626, MONDO:0012481, OMIM 610377.

Submissions (2):

Myriad Genetics, Inc.
Classification: Uncertain significance for Deficiency of mevalonate kinase. Last evaluated: 2026-04-16. Review status: criteria provided, single submitter. Criteria: Myriad Autosomal Dominant, Autosomal Recessive and X-Linked Classification Criteria (2023). Collection method: clinical testing. Allele origin: unknown.
Comment: NM_000431.2(MVK):c.902A>C(N301T) is a missense variant classified as a variant of uncertain significance in the context of mevalonate kinase deficiency. N301T has been observed in a case with relevant disease (PMID: 10417275). Relevant functional assessments of this variant are available in the literature (PMID: 1377680, 28359055). N301T has not been observed in referenced population frequency databases. In summary, there is insufficient evidence to classify NM_000431.2(MVK):c.902A>C(N301T) as pathogenic or benign. Please note: this variant was assessed in the context of healthy population screening.

OMIM
Classification: Pathogenic for MEVALONIC ACIDURIA. Last evaluated: 1992-07-05. Review status: no assertion criteria provided. Collection method: literature only. Allele origin: germline. Not counted in ClinVar's aggregate classification.

Literature cited by the submitters: PubMed 10417275 (cited by Myriad Genetics, Inc.); PubMed 1377680 (cited by Myriad Genetics, Inc. and OMIM); PubMed 28359055 (cited by Myriad Genetics, Inc.).

NM_000431.4(MVK):c.902A>C (p.Asn301Thr)

Gene: MVK (mevalonate kinase; plus strand). Cytogenetic location: 12q24.11.
Variant type: single nucleotide variant.
Coding change: c.902A>C on transcript NM_000431.4 (MANE Select); coding-DNA position 902, A replaced by C.
Protein change: p.Asn301Thr; replaces asparagine 301 with threonine.
Molecular consequence: missense variant.
Genome position (GRCh38, 1-based): chr12:109,595,044, A>C. VCF-style: chr12-109595044-A-C. GRCh37 (hg19) VCF-style: chr12-110032849-A-C.
Other names: c.902A>C, p.Asn301Thr (LRG_156t1, NM_001114185.3); c.746A>C, p.Asn249Thr (NM_001301182.2); short protein forms N301T, N249T.
Identifiers: ClinVar variation 11928 (VCV000011928.2), dbSNP rs121917789, ClinGen allele CA121774.
Genomic context (GRCh38, chr12:109,595,044, plus strand): 5'-CCTCAGGCAGGCCAAGTGGGAACAGATGGAACCTTCTCCCCTAGGAGCTCATTGACATGA[A>C]CCAGCACCATCTGAATGCCCTCGGCGTGGGCCACGCCTCTCTGGACCAGCTCTGCCAGGT-3'
Protein context (NP_000422.1, residues 291-311): YLVLEELIDM[Asn301Thr]QHHLNALGVG